The following is an entry in ClinVar:

ClinVar aggregate classification (germline): Benign (0 of 4 stars; one submission).

Conditions:
MYOF-related disorder. Also called: MYOF-related condition.

Allele frequency attached by ClinVar (database versions not stated): ExAC 0.04862; gnomAD exomes 0.05000; 1000 Genomes Project 0.05671; 1000 Genomes Project 30x 0.05824; gnomAD 0.07251; TOPMed 0.07534; ESP Exome Variant Server 0.07863.
gnomAD v4.1: 84,142 of 1,614,014 alleles (5.2%); highest among the groups gnomAD compares: African/African-American, 13%; 2,548 homozygotes.

Submission:

PreventionGenetics, part of Exact Sciences
Classification: Benign for MYOF-related condition. Last evaluated: 2019-11-04. Review status: no assertion criteria provided. Collection method: clinical testing. Allele origin: germline.
Comment: This variant is classified as benign based on ACMG/AMP sequence variant interpretation guidelines (Richards et al. 2015 PMID: 25741868, with internal and published modifications).

NM_013451.4(MYOF):c.1533A>G (p.Arg511=)

Gene: MYOF (myoferlin; minus strand). Cytogenetic location: 10q23.33.
Variant type: single nucleotide variant.
Coding change: c.1533A>G on transcript NM_013451.4 (MANE Select); coding-DNA position 1533, A replaced by G.
Protein change: p.Arg511=; no amino-acid change (arginine 511 retained).
Molecular consequence: synonymous variant.
Genome position (GRCh38, 1-based): chr10:93,389,078, T>C on the plus strand (A>G on the coding strand, the complement: MYOF is on the minus strand). VCF-style: chr10-93389078-T-C. GRCh37 (hg19) VCF-style: chr10-95148835-T-C.
Other names: c.1494A>G, p.Arg498= (NM_133337.3).
Identifiers: ClinVar variation 3058987 (VCV003058987.2), dbSNP rs17108594, ClinGen allele CA5608166.
Genomic context (GRCh38, chr10:93,389,078, plus strand): 5'-TGAGAAACCAACCTTTCCAGTATTCAGCTCATCATAGGGGTCTGGGAATCCCGTGTACTC[T>C]CTGGGGCTTCCATAAAGATTCAGGTAACAAGGTCCAAACGTTGGAACAAAGCCTACCTCT-3'
Protein context (NP_038479.1, residues 501-521): PCYLNLYGSP[Arg511=]EYTGFPDPYD